The following is an entry in ClinVar:

ClinVar aggregate classification (germline): Uncertain significance (1 of 4 stars; one submission).

Conditions:
PKD1L1-related disorder. Also called: PKD1L1-related condition.

gnomAD v4.1: 94 of 1,613,900 alleles (0.0058%); highest among the groups gnomAD compares: African/African-American, 0.097%; no homozygotes.

Submission:

PreventionGenetics, part of Exact Sciences
Classification: Uncertain significance for PKD1L1-related condition. Last evaluated: 2026-02-02. Review status: criteria provided, single submitter. Criteria: ACMG Guidelines, 2015. Collection method: clinical testing. Allele origin: germline.
Comment: The PKD1L1 c.1379C>T variant is predicted to result in the amino acid substitution p.Ala460Val. To our knowledge, this variant has not been reported in the literature in individuals with PKD1L1-related disorders. This variant is reported in 0.10% of alleles in individuals of African descent in gnomAD. Although we suspect that this variant may be benign, at this time, the clinical significance of this variant is uncertain due to the absence of conclusive functional and genetic evidence.

NM_138295.5(PKD1L1):c.1379C>T (p.Ala460Val)

Gene: PKD1L1 (polycystin 1 like 1, transient receptor potential channel interacting; minus strand). Cytogenetic location: 7p12.3.
Variant type: single nucleotide variant.
Coding change: c.1379C>T on transcript NM_138295.5 (MANE Select); coding-DNA position 1379, C replaced by T.
Protein change: p.Ala460Val; replaces alanine 460 with valine.
Molecular consequence: missense variant.
Genome position (GRCh38, 1-based): chr7:47,908,100, G>A on the plus strand (C>T on the coding strand, the complement: PKD1L1 is on the minus strand). VCF-style: chr7-47908100-G-A. GRCh37 (hg19) VCF-style: chr7-47947697-G-A.
Other names: short protein forms A460V.
Identifiers: ClinVar variation 3350927 (VCV003350927.2).